The following is an entry in ClinVar:

ClinVar aggregate classification (germline): Uncertain significance. Review status: criteria provided, multiple submitters, no conflicts (2 of 4 stars). 3 submissions from 3 submitters: Uncertain significance (3). Last evaluated 2026-07-01.

Conditions:
Tuberous sclerosis 2 (TSC2). Identifiers: Orphanet 805, MedGen C1860707, MONDO:0013199, OMIM 613254.
Hereditary cancer-predisposing syndrome. Also called: Hereditary Cancer Syndrome; Tumor predisposition; Hereditary neoplastic syndrome; Neoplastic Syndromes, Hereditary. Identifiers: Orphanet 140162, MedGen C0027672, MeSH D009386, MONDO:0015356.

Allele frequency attached by ClinVar (database versions not stated): TOPMed below 0.00001.

Submissions (3):

Ambry Genetics
Classification: Uncertain significance for Hereditary cancer-predisposing syndrome. Last evaluated: 2026-07-01. Review status: criteria provided, single submitter. Criteria: Ambry Variant Classification Scheme 2023. Collection method: clinical testing. Allele origin: germline.
Comment: The p.L722F variant (also known as c.2164C>T), located in coding exon 19 of the TSC2 gene, results from a C to T substitution at nucleotide position 2164. The leucine at codon 722 is replaced by phenylalanine, an amino acid with highly similar properties. This amino acid position is highly conserved in available vertebrate species. In addition, this alteration is predicted to be deleterious by in silico analysis. Based on the available evidence, the clinical significance of this variant remains unclear.

Labcorp Genetics (formerly Invitae), Labcorp
Classification: Uncertain significance for Tuberous sclerosis 2. Last evaluated: 2025-11-03. Review status: criteria provided, single submitter. Criteria: Invitae Variant Classification Sherloc (09022015). Collection method: clinical testing. Allele origin: germline.
Comment: This sequence change replaces leucine, which is neutral and non-polar, with phenylalanine, which is neutral and non-polar, at codon 722 of the TSC2 protein (p.Leu722Phe). This variant is not present in population databases (gnomAD no frequency). This variant has not been reported in the literature in individuals affected with TSC2-related conditions. ClinVar contains an entry for this variant (Variation ID: 535867). Invitae Evidence Modeling of protein sequence and biophysical properties (such as structural, functional, and spatial information, amino acid conservation, physicochemical variation, residue mobility, and thermodynamic stability) indicates that this missense variant is not expected to disrupt TSC2 protein function with a negative predictive value of 95%. In summary, the available evidence is currently insufficient to determine the role of this variant in disease. Therefore, it has been classified as a Variant of Uncertain Significance.

Blueprint Genetics
Classification: Uncertain significance. Last evaluated: 2024-11-22. Review status: criteria provided, single submitter. Criteria: ACMG Guidelines, 2015. Collection method: clinical testing. Allele origin: germline.

NM_000548.5(TSC2):c.2164C>T (p.Leu722Phe)

Gene: TSC2 (TSC complex subunit 2; plus strand). Cytogenetic location: 16p13.3.
Variant type: single nucleotide variant.
Coding change: c.2164C>T on transcript NM_000548.5 (MANE Select); coding-DNA position 2164, C replaced by T.
Protein change: p.Leu722Phe; replaces leucine 722 with phenylalanine.
Molecular consequence: missense variant.
Genome position (GRCh38, 1-based): chr16:2,072,307, C>T. VCF-style: chr16-2072307-C-T. GRCh37 (hg19) VCF-style: chr16-2122308-C-T.
Other names: c.2164C>T, p.Leu722Phe (NM_001077183.3, NM_001114382.3, NM_001363528.2 and 3 more transcripts); c.2053C>T, p.Leu685Phe (NM_001318827.2); c.2017C>T, p.Leu673Phe (NM_001318829.2); c.1564C>T, p.Leu522Phe (NM_001318831.2); c.2197C>T, p.Leu733Phe (NM_001318832.2); short protein forms L722F, L733F, L685F, L522F, L673F.
Identifiers: ClinVar variation 535867 (VCV000535867.12), dbSNP rs1029969953, ClinGen allele CA276738385.